The following is an entry in ClinVar:

NM_007118.4(TRIO):c.8613-259C>T

Gene: TRIO (trio Rho guanine nucleotide exchange factor; plus strand). Cytogenetic location: 5p15.2.
Variant type: single nucleotide variant.
Coding change: c.8613-259C>T on transcript NM_007118.4 (MANE Select); 259 bases into the intron before coding-DNA position 8613, C replaced by T.
Molecular consequence: intron variant.
Genome position (GRCh38, 1-based): chr5:14,506,863, C>T. VCF-style: chr5-14506863-C-T. GRCh37 (hg19) VCF-style: chr5-14506972-C-T.
Identifiers: ClinVar variation 4856631 (VCV004856631.1).

ClinVar aggregate classification (germline): Likely pathogenic (1 of 4 stars; one submission).

Conditions:
Intellectual developmental disorder, autosomal dominant 44, with microcephaly. Also called: Micrognathia-recurrent infections-behavioral abnormalities-mild intellectual disability syndrome; TRIO-Related Intellectual Disability. Identifiers: Orphanet 476126, MedGen C4310740, MONDO:0014892, OMIM 617061.

gnomAD v4.1: 1 of 152,184 alleles (0.00066%); highest among the groups gnomAD compares: Non-Finnish European, 0.0015%; no homozygotes.

Submission:

Ozbek Human Genetics Laboratory, Izmir Biomedicine and Genome Center
Classification: Likely pathogenic for Intellectual developmental disorder, autosomal dominant 44, with microcephaly. Last evaluated: 2026-01-23. Review status: criteria provided, single submitter. Criteria: ACMG Guidelines, 2015. Collection method: research. Allele origin: de novo. Affected: yes. Observed: 1 variant allele, 1 heterozygote.
Comment: A heterozygous c.8613-259C>T intronic variant was detected in exon 56 of the TRIO gene (NM_007118.4). This variant is very rarely observed in population databases (PM2). Based on this information, this variant is classified as a Likely Pathogenic variant according to ACMG criteria. The TRIO gene is associated with "Intellectual developmental disorder, autosomal dominant 44, with microcephaly" and "Intellectual developmental disorder, autosomal dominant 63, with macrocephaly" phenotypes in the OMIM database. Data obtained via the RAREBOOST project (Horizon 2020 ERA Chairs at Izmir Biomedicine and Genome Center - IBG)